The following is an entry in ClinVar:

ClinVar aggregate classification (germline): Uncertain significance (1 of 4 stars; one submission).

Conditions:
Inborn genetic diseases. Identifiers: MedGen C0950123, MeSH D030342.

Submission:

Ambry Genetics
Classification: Uncertain significance for Inborn genetic diseases. Last evaluated: 2023-04-11. Review status: criteria provided, single submitter. Criteria: Ambry Variant Classification Scheme 2023. Collection method: clinical testing. Allele origin: germline.
Comment: The p.R1723S variant (also known as c.5169A>T), located in coding exon 35 of the LRRK2 gene, results from an A to T substitution at nucleotide position 5169. The arginine at codon 1723 is replaced by serine, an amino acid with dissimilar properties. This amino acid position is conserved. In addition, this alteration is predicted to be deleterious by in silico analysis. Since supporting evidence is limited at this time, the clinical significance of this alteration remains unclear.

NM_198578.4(LRRK2):c.5169A>T (p.Arg1723Ser)

Gene: LRRK2 (leucine rich repeat kinase 2; plus strand). Cytogenetic location: 12q12.
Variant type: single nucleotide variant.
Coding change: c.5169A>T on transcript NM_198578.4 (MANE Select); coding-DNA position 5169, A replaced by T.
Protein change: p.Arg1723Ser; replaces arginine 1723 with serine.
Molecular consequence: missense variant.
Genome position (GRCh38, 1-based): chr12:40,321,187, A>T. VCF-style: chr12-40321187-A-T. GRCh37 (hg19) VCF-style: chr12-40714989-A-T.
Other names: short protein forms R1723S.
Identifiers: ClinVar variation 2567355 (VCV002567355.2), dbSNP rs2499879094, ClinGen allele CA384420144.